The following is an entry in ClinVar:

ClinVar aggregate classification (germline): Likely benign (0 of 4 stars; one submission).

Conditions:
SCAPER-related disorder. Also called: SCAPER-related condition.

gnomAD v4.1: 1 of 1,606,548 alleles (0.000062%); highest among the groups gnomAD compares: Admixed American, 0.0017%; no homozygotes.

Submission:

PreventionGenetics, part of Exact Sciences
Classification: Likely benign for SCAPER-related condition. Last evaluated: 2024-09-05. Review status: no assertion criteria provided. Collection method: clinical testing. Allele origin: germline.
Comment: This variant is classified as likely benign based on ACMG/AMP sequence variant interpretation guidelines (Richards et al. 2015 PMID: 25741868, with internal and published modifications).

NM_020843.4(SCAPER):c.2839-10T>G

Gene: SCAPER (S-phase cyclin A associated protein in the ER; minus strand). Cytogenetic location: 15q24.3.
Variant type: single nucleotide variant.
Coding change: c.2839-10T>G on transcript NM_020843.4 (MANE Select); 10 bases into the intron before coding-DNA position 2839, T replaced by G.
Molecular consequence: intron variant.
Genome position (GRCh38, 1-based): chr15:76,504,984, A>C on the plus strand (T>G on the coding strand, the complement: SCAPER is on the minus strand). VCF-style: chr15-76504984-A-C. GRCh37 (hg19) VCF-style: chr15-76797325-A-C.
Other names: c.2455-10T>G (NM_001353011.2); c.2437-10T>G (NM_001353012.2, NM_001353010.2); c.2857-10T>G (NM_001353009.2); c.2101-10T>G (NM_001145923.2).
Identifiers: ClinVar variation 3354579 (VCV003354579.1).
Genomic context (GRCh38, chr15:76,504,984, plus strand): 5'-AAGGGCTGTTAATCCACCAGCAGCTTGAAATGCAATCTGATCTGCCACATTCTAGACAGA[A>C]ATACAAACAGAAGTTAGCCCAATTTCCCAGGCATTAAACTATAACCAAATGATATCTGTA-3'